The following is an entry in ClinVar:

NM_005422.4(TECTA):c.240C>T (p.Ser80=)

Genes: TBCEL-TECTA (TBCEL-TECTA readthrough; plus strand), TECTA (tectorin alpha; plus strand). Cytogenetic location: 11q23.3.
Variant type: single nucleotide variant.
Coding change: c.240C>T on transcript NM_005422.4 (MANE Select); coding-DNA position 240, C replaced by T.
Protein change: p.Ser80=; no amino-acid change (serine 80 retained).
Molecular consequence: synonymous variant.
Genome position (GRCh38, 1-based): chr11:121,109,252, C>T. VCF-style: chr11-121109252-C-T. GRCh37 (hg19) VCF-style: chr11-120979961-C-T.
Other names: c.1197C>T, p.Ser399= (NM_001378761.1).
Identifiers: ClinVar variation 45320 (VCV000045320.13), dbSNP rs142064539, ClinGen allele CA136030.
Genomic context (GRCh38, chr11:121,109,252, plus strand): 5'-ACCTCTCTTATTTTCGTAGGTCAATAACAACGGAGTTGTTTCCTTCAATGTGCTAGTGAG[C>T]CAGTTCACGCCAGAATCCTTTCCCCTGACAGATGGGAGAGCCTTCGTCGCCCCATTTTGG-3'
Protein context (NP_005413.2, residues 70-90): NGVVSFNVLV[Ser80=]QFTPESFPLT

ClinVar aggregate classification (germline): Likely benign. Review status: criteria provided, multiple submitters, no conflicts (2 of 4 stars). 3 submissions from 3 submitters: Likely benign (3). Last evaluated 2026-03-31.

Conditions:
TECTA-related disorder. Also called: TECTA-related condition.

Allele frequency attached by ClinVar (database versions not stated): gnomAD 0.00004 and 0.00006; ExAC 0.00006; TOPMed 0.00006; gnomAD exomes 0.00008; ESP Exome Variant Server 0.00015.
gnomAD v4.1: 123 of 1,614,126 alleles (0.0076%); highest among the groups gnomAD compares: Non-Finnish European, 0.0098%; no homozygotes.

Submissions (3):

PreventionGenetics, part of Exact Sciences
Classification: Likely benign for TECTA-related condition. Last evaluated: 2026-03-31. Review status: criteria provided, single submitter. Criteria: ACMG Guidelines, 2015. Collection method: clinical testing. Allele origin: germline.
Comment: This variant is classified as likely benign based on ACMG/AMP sequence variant interpretation guidelines (Richards et al. 2015 PMID: 25741868, with internal and published modifications).

Labcorp Genetics (formerly Invitae), Labcorp
Classification: Likely benign. Last evaluated: 2025-10-22. Review status: criteria provided, single submitter. Criteria: Invitae Variant Classification Sherloc (09022015). Collection method: clinical testing. Allele origin: germline.

Laboratory for Molecular Medicine, Mass General Brigham Personalized Medicine
Classification: Likely benign. Last evaluated: 2012-04-30. Review status: criteria provided, single submitter. Criteria: LMM Criteria. Collection method: clinical testing. Allele origin: germline. Observed: 1 variant allele.
Comment: Ser80Ser in Exon 03 of TECTA: This variant is not expected to have clinical sign ificance because it does not alter an amino acid residue, is not located within the splice consensus sequence, and has been identified in 2/7020 European Americ an chromosomes from a broad population by the NHLBI Exome Sequencing Project (dbSNP rs142064539).